The following is an entry in ClinVar:

ClinVar aggregate classification (germline): Uncertain significance (1 of 4 stars; one submission).

Conditions:
Retinitis pigmentosa 20 (RP20). Identifiers: Orphanet 791, MedGen C3151086, MONDO:0013425, OMIM 613794.
Leber congenital amaurosis 2 (LCA2). Also called: AMAUROSIS CONGENITA OF LEBER II; Autosomal Recessive RPE65-Related Retinal Degeneration. Identifiers: Orphanet 65, MedGen C1859844, MONDO:0008765, OMIM 204100. Disease mechanism: loss of function.

gnomAD v4.1: 2 of 1,614,052 alleles (0.00012%); highest among the groups gnomAD compares: South Asian, 0.0011%; no homozygotes.

Submission:

Labcorp Genetics (formerly Invitae), Labcorp
Classification: Uncertain significance for Leber congenital amaurosis 2; Retinitis pigmentosa 20. Last evaluated: 2025-01-07. Review status: criteria provided, single submitter. Criteria: Invitae Variant Classification Sherloc (09022015). Collection method: clinical testing. Allele origin: germline.
Comment: This sequence change replaces glycine, which is neutral and non-polar, with glutamic acid, which is acidic and polar, at codon 272 of the RPE65 protein (p.Gly272Glu). This variant is not present in population databases (gnomAD no frequency). This variant has not been reported in the literature in individuals affected with RPE65-related conditions. Invitae Evidence Modeling of protein sequence and biophysical properties (such as structural, functional, and spatial information, amino acid conservation, physicochemical variation, residue mobility, and thermodynamic stability) has been performed for this missense variant. However, the output from this modeling did not meet the statistical confidence thresholds required to predict the impact of this variant on RPE65 protein function. In summary, the available evidence is currently insufficient to determine the role of this variant in disease. Therefore, it has been classified as a Variant of Uncertain Significance.

NM_000329.3(RPE65):c.815G>A (p.Gly272Glu)

Gene: RPE65 (retinoid isomerohydrolase RPE65; minus strand). Cytogenetic location: 1p31.3.
Variant type: single nucleotide variant.
Coding change: c.815G>A on transcript NM_000329.3 (MANE Select); coding-DNA position 815, G replaced by A.
Protein change: p.Gly272Glu; replaces glycine 272 with glutamic acid.
Molecular consequence: missense variant.
Genome position (GRCh38, 1-based): chr1:68,439,234, C>T on the plus strand (G>A on the coding strand, the complement: RPE65 is on the minus strand). VCF-style: chr1-68439234-C-T. GRCh37 (hg19) VCF-style: chr1-68904917-C-T.
Other names: c.707G>A, p.Gly236Glu (NM_001406853.1); c.539G>A, p.Gly180Glu (NM_001406856.1, NM_001406857.1); c.815G>A, p.Gly272Glu (NM_001406859.1); short protein forms G180E, G236E, G272E.
Identifiers: ClinVar variation 3752903 (VCV003752903.2).